The following is an entry in ClinVar:

ClinVar aggregate classification (germline): Likely benign. Review status: criteria provided, multiple submitters, no conflicts (2 of 4 stars). 2 submissions from 2 submitters: Likely benign (2). Last evaluated 2024-11-11.

Conditions:
Hereditary spastic paraplegia 28. Also called: Spastic paraplegia 28, autosomal recessive. Identifiers: Orphanet 101008, MedGen C1836295, MONDO:0012256, OMIM 609340.

Allele frequency attached by ClinVar (database versions not stated): ExAC 0.00002; gnomAD exomes 0.00002; TOPMed 0.00003; gnomAD 0.00006.
gnomAD v4.1: 42 of 1,610,480 alleles (0.0026%); highest among the groups gnomAD compares: Middle Eastern, 0.017%; no homozygotes.

Submissions (2):

Labcorp Genetics (formerly Invitae), Labcorp
Classification: Likely benign for Hereditary spastic paraplegia 28. Last evaluated: 2024-11-11. Review status: criteria provided, single submitter. Criteria: Invitae Variant Classification Sherloc (09022015). Collection method: clinical testing. Allele origin: germline.

CeGaT Center for Human Genetics Tuebingen
Classification: Likely benign. Last evaluated: 2024-10-01. Review status: criteria provided, single submitter. Criteria: CeGaT Center For Human Genetics Tuebingen Variant Classification Criteria Version 2. Collection method: clinical testing. Allele origin: germline. Affected: yes. Observed: 1 variant allele.
Comment: DDHD1: BP4, BP7

NM_001160148.2(DDHD1):c.2667C>T (p.His889=)

Gene: DDHD1 (DDHD domain containing 1; minus strand). Cytogenetic location: 14q22.1.
Variant type: single nucleotide variant.
Coding change: c.2667C>T on transcript NM_001160148.2 (MANE Select); coding-DNA position 2667, C replaced by T.
Protein change: p.His889=; no amino-acid change (histidine 889 retained).
Molecular consequence: synonymous variant.
Genome position (GRCh38, 1-based): chr14:53,046,804, G>A on the plus strand (C>T on the coding strand, the complement: DDHD1 is on the minus strand). VCF-style: chr14-53046804-G-A. GRCh37 (hg19) VCF-style: chr14-53513522-G-A.
Other names: c.2604C>T, p.His868= (NM_001160147.2); c.2583C>T, p.His861= (NM_030637.3).
Identifiers: ClinVar variation 2771081 (VCV002771081.17), dbSNP rs774873200, ClinGen allele CA7190919.